The following is an entry in ClinVar:

NM_001330.5(CTF1):c.431G>T (p.Gly144Val)

Genes: CTF1 (cardiotrophin 1; plus strand), LOC130058878 (ATAC-STARR-seq lymphoblastoid silent region 7400; plus strand). Cytogenetic location: 16p11.2.
Variant type: single nucleotide variant.
Coding change: c.431G>T on transcript NM_001330.5 (MANE Select); coding-DNA position 431, G replaced by T.
Protein change: p.Gly144Val; replaces glycine 144 with valine.
Molecular consequence: missense variant. On other transcripts: non-coding transcript variant (1).
Genome position (GRCh38, 1-based): chr16:30,902,364, G>T. VCF-style: chr16-30902364-G-T. GRCh37 (hg19) VCF-style: chr16-30913685-G-T.
Other names: c.428G>T, p.Gly143Val (NM_001142544.3); short protein forms G143V, G144V.
Identifiers: ClinVar variation 3690200 (VCV003690200.2).

ClinVar aggregate classification (germline): Uncertain significance (1 of 4 stars; one submission).

Submission:

Labcorp Genetics (formerly Invitae), Labcorp
Classification: Uncertain significance. Last evaluated: 2024-07-16. Review status: criteria provided, single submitter. Criteria: Invitae Variant Classification Sherloc (09022015). Collection method: clinical testing. Allele origin: germline.
Comment: This sequence change replaces glycine, which is neutral and non-polar, with valine, which is neutral and non-polar, at codon 144 of the CTF1 protein (p.Gly144Val). The frequency data for this variant in the population databases is considered unreliable, as metrics indicate insufficient coverage at this position in the gnomAD database. This variant has not been reported in the literature in individuals affected with CTF1-related conditions. An algorithm developed to predict the effect of missense changes on protein structure and function (PolyPhen-2) suggests that this variant is likely to be disruptive. In summary, the available evidence is currently insufficient to determine the role of this variant in disease. Therefore, it has been classified as a Variant of Uncertain Significance.